The following is an entry in ClinVar:

ClinVar aggregate classification (germline): Uncertain significance. Review status: criteria provided, multiple submitters, no conflicts (2 of 4 stars). 2 submissions from 2 submitters: Uncertain significance (2). Last evaluated 2022-12-26.

Conditions:
DICER1-related tumor predisposition. Also called: DICER1-related pleuropulmonary blastoma cancer predisposition syndrome; DICER1 syndrome. Identifiers: Orphanet 284343, MedGen C3839822, MONDO:0100216.
Hereditary cancer-predisposing syndrome. Also called: Hereditary neoplastic syndrome; Tumor predisposition; Neoplastic Syndromes, Hereditary; Hereditary Cancer Syndrome. Identifiers: Orphanet 140162, MedGen C0027672, MeSH D009386, MONDO:0015356.

Allele frequency attached by ClinVar (database versions not stated): gnomAD exomes below 0.00001; TOPMed below 0.00001.
gnomAD v4.1: 4 of 1,612,608 alleles (0.00025%); highest among the groups gnomAD compares: Non-Finnish European, 0.00034%; no homozygotes.

Submissions (3):

Ambry Genetics
Classification: Uncertain significance for Hereditary cancer-predisposing syndrome. Last evaluated: 2022-12-26. Review status: criteria provided, single submitter. Criteria: Ambry Variant Classification Scheme 2023. Collection method: clinical testing. Allele origin: germline.
Comment: The p.D1414G variant (also known as c.4241A>G), located in coding exon 22 of the DICER1 gene, results from an A to G substitution at nucleotide position 4241. The aspartic acid at codon 1414 is replaced by glycine, an amino acid with similar properties. This amino acid position is conserved. In addition, this alteration is predicted to be tolerated by in silico analysis. Since supporting evidence is limited at this time, the clinical significance of this alteration remains unclear.

Labcorp Genetics (formerly Invitae), Labcorp
Classification: Uncertain significance for DICER1-related tumor predisposition. Last evaluated: 2022-03-14. Review status: criteria provided, single submitter. Criteria: Invitae Variant Classification Sherloc (09022015). Collection method: clinical testing. Allele origin: germline.
Comment: In summary, the available evidence is currently insufficient to determine the role of this variant in disease. Therefore, it has been classified as a Variant of Uncertain Significance. Algorithms developed to predict the effect of sequence changes on RNA splicing suggest that this variant may create or strengthen a splice site. Algorithms developed to predict the effect of missense changes on protein structure and function output the following: SIFT: "Tolerated"; PolyPhen-2: "Benign"; Align-GVGD: "Class C0". The glycine amino acid residue is found in multiple mammalian species, which suggests that this missense change does not adversely affect protein function. This variant has not been reported in the literature in individuals affected with DICER1-related conditions. This variant is not present in population databases (gnomAD no frequency). This sequence change replaces aspartic acid, which is acidic and polar, with glycine, which is neutral and non-polar, at codon 1414 of the DICER1 protein (p.Asp1414Gly).

Dr. Peter K. Rogan Lab, Western University
No classification provided (evidence only). Condition: Ovarian serous cystadenocarcinoma. Review status: no classification provided. Collection method: in vitro. Allele origin: not applicable. Functional consequence: retained intron. Not counted in ClinVar's aggregate classification.

NM_177438.3(DICER1):c.4241A>G (p.Asp1414Gly)

Gene: DICER1 (dicer 1, ribonuclease III; minus strand). Cytogenetic location: 14q32.13.
Variant type: single nucleotide variant.
Coding change: c.4241A>G on transcript NM_177438.3 (MANE Select); coding-DNA position 4241, A replaced by G.
Protein change: p.Asp1414Gly; replaces aspartic acid 1414 with glycine.
Molecular consequence: missense variant.
Genome position (GRCh38, 1-based): chr14:95,096,679, T>C on the plus strand (A>G on the coding strand, the complement: DICER1 is on the minus strand). VCF-style: chr14-95096679-T-C. GRCh37 (hg19) VCF-style: chr14-95563016-T-C.
Other names: c.4241A>G, p.Asp1414Gly (NM_001291628.2, NM_030621.4, NM_001195573.1 and 1 more transcripts); c.4241A>G (NM_177438.2); short protein forms D1414G.
Identifiers: ClinVar variation 1472665 (VCV001472665.10), dbSNP rs1890382966, ClinGen allele CA390869757.
Genomic context (GRCh38, chr14:95,096,679, plus strand): 5'-TCCTTCGGAGCCCTCCACATCAGGCTCTCCTCCTCCTCATCCTCCTCCTCGTAATCCTCA[T>C]CCAGTTTGCCATTCGCCAGCATGCAGTCTTTTGTCTGAAACGAGGGGGAATGGGGAAGGA-3'
Protein context (NP_803187.1, residues 1404-1424): KDCMLANGKL[Asp1414Gly]EDYEEEDEEE